The following is an entry in ClinVar:

NM_022367.4(SEMA4A):c.196A>C (p.Thr66Pro)

Gene: SEMA4A (semaphorin 4A; plus strand). Cytogenetic location: 1q22.
Variant type: single nucleotide variant.
Coding change: c.196A>C on transcript NM_022367.4 (MANE Select); coding-DNA position 196, A replaced by C.
Protein change: p.Thr66Pro; replaces threonine 66 with proline.
Molecular consequence: missense variant. On other transcripts: 5 prime UTR variant (4).
Genome position (GRCh38, 1-based): chr1:156,156,470, A>C. VCF-style: chr1-156156470-A-C. GRCh37 (hg19) VCF-style: chr1-156126261-A-C.
Other names: c.196A>C, p.Thr66Pro (NM_001193301.2, NM_001370567.1, NM_001193300.2); c.-102A>C (NM_001193302.2, NM_001370568.1); c.-329A>C (NM_001370569.1, NM_001370571.1); c.196A>C (NM_022367.3); short protein forms T66P.
Identifiers: ClinVar variation 1011600 (VCV001011600.10), dbSNP rs773118228, ClinGen allele CA1154944.

ClinVar aggregate classification (germline): Uncertain significance. Review status: criteria provided, multiple submitters, no conflicts (2 of 4 stars). 3 submissions from 3 submitters: Uncertain significance (3). Last evaluated 2025-05-18.

Allele frequency attached by ClinVar (database versions not stated): gnomAD 0.00001; ExAC 0.00002; gnomAD exomes 0.00002 and 0.00006; TOPMed 0.00002.
gnomAD v4.1: 89 of 1,613,666 alleles (0.0055%); highest among the groups gnomAD compares: Non-Finnish European, 0.0075%; no homozygotes.

Submissions (3):

Labcorp Genetics (formerly Invitae), Labcorp
Classification: Uncertain significance. Last evaluated: 2025-05-18. Review status: criteria provided, single submitter. Criteria: Invitae Variant Classification Sherloc (09022015). Collection method: clinical testing. Allele origin: germline.
Comment: This sequence change replaces threonine, which is neutral and polar, with proline, which is neutral and non-polar, at codon 66 of the SEMA4A protein (p.Thr66Pro). This variant is present in population databases (rs773118228, gnomAD 0.004%). This variant has not been reported in the literature in individuals affected with SEMA4A-related conditions. ClinVar contains an entry for this variant (Variation ID: 1011600). Invitae Evidence Modeling of protein sequence and biophysical properties (such as structural, functional, and spatial information, amino acid conservation, physicochemical variation, residue mobility, and thermodynamic stability) indicates that this missense variant is not expected to disrupt SEMA4A protein function with a negative predictive value of 80%. In summary, the available evidence is currently insufficient to determine the role of this variant in disease. Therefore, it has been classified as a Variant of Uncertain Significance.

Ambry Genetics
Classification: Uncertain significance. Last evaluated: 2024-01-30. Review status: criteria provided, single submitter. Criteria: Ambry Variant Classification Scheme 2023. Collection method: clinical testing. Allele origin: germline.

Blueprint Genetics
Classification: Uncertain significance. Last evaluated: 2023-09-21. Review status: criteria provided, single submitter. Criteria: ACMG Guidelines, 2015. Collection method: clinical testing. Allele origin: germline.